The following is an entry in ClinVar:

NM_001283009.2(RTEL1):c.2975C>T (p.Pro992Leu)

Genes: RTEL1-TNFRSF6B (RTEL1-TNFRSF6B readthrough (NMD candidate); plus strand), RTEL1 (regulator of telomere elongation helicase 1; plus strand). Cytogenetic location: 20q13.33.
Variant type: single nucleotide variant.
Coding change: c.2975C>T on transcript NM_001283009.2 (MANE Select); coding-DNA position 2975, C replaced by T.
Protein change: p.Pro992Leu; replaces proline 992 with leucine.
Molecular consequence: missense variant. On other transcripts: non-coding transcript variant (1).
Genome position (GRCh38, 1-based): chr20:63,693,266, C>T. VCF-style: chr20-63693266-C-T. GRCh37 (hg19) VCF-style: chr20-62324619-C-T.
Other names: c.2306C>T, p.Pro769Leu (NM_001283010.1); c.2975C>T, p.Pro992Leu (NM_016434.4); c.3047C>T, p.Pro1016Leu (NM_032957.5); short protein forms P1016L, P992L, P769L.
Identifiers: ClinVar variation 436575 (VCV000436575.62), dbSNP rs143967591, ClinGen allele CA9965684.

ClinVar aggregate classification (germline): Benign/Likely benign. Review status: criteria provided, multiple submitters, no conflicts (2 of 4 stars). 12 submissions from 12 submitters: Benign (1); Likely benign (7). 4 of the submissions do not count toward it. Last evaluated 2026-02-01.

Conditions:
RTEL1-related disorder. Also called: RTEL1-related condition; RTEL1-related disorders.
Dyskeratosis congenita. Identifiers: Orphanet 1775, MedGen C0265965, MONDO:0015780.
Dyskeratosis congenita, autosomal recessive 5 (DKCB5). Identifiers: MedGen C3554656, MONDO:0014076, OMIM 615190.
Pulmonary fibrosis and/or bone marrow failure, Telomere-related, 3. Also called: PULMONARY FIBROSIS AND/OR BONE MARROW FAILURE SYNDROME, TELOMERE-RELATED, 3. Identifiers: Orphanet 2032, MedGen C4225346, MONDO:0014613, OMIM 616373.

Allele frequency attached by ClinVar (database versions not stated): ESP Exome Variant Server 0.00054; TOPMed 0.00082; 1000 Genomes Project 30x 0.00125; 1000 Genomes Project 0.00160.
gnomAD v4.1: 1,747 of 1,611,800 alleles (0.11%); highest among the groups gnomAD compares: Middle Eastern, 0.93%; 6 homozygotes.

Submissions (12):

Labcorp Genetics (formerly Invitae), Labcorp
Classification: Benign for Dyskeratosis congenita, autosomal recessive 5; Pulmonary fibrosis and/or bone marrow failure, Telomere-related, 3. Last evaluated: 2026-02-01. Review status: criteria provided, single submitter. Criteria: Invitae Variant Classification Sherloc (09022015). Collection method: clinical testing. Allele origin: germline.

CeGaT Center for Human Genetics Tuebingen
Classification: Likely benign. Last evaluated: 2025-11-01. Review status: criteria provided, single submitter. Criteria: CeGaT Center For Human Genetics Tuebingen Variant Classification Criteria Version 2. Collection method: clinical testing. Allele origin: germline. Affected: yes. Observed: 10 variant alleles.
Comment: RTEL1: BP4

Women's Health and Genetics/Laboratory Corporation of America, LabCorp
Classification: Likely benign. Last evaluated: 2025-10-29. Review status: criteria provided, single submitter. Criteria: LabCorp Variant Classification Summary - May 2015. Collection method: clinical testing. Allele origin: germline.
Comment: Variant summary: RTEL1 c.3047C>T (p.Pro1016Leu) results in a non-conservative amino acid change in the encoded protein sequence. Algorithms developed to predict the effect of missense changes on protein structure and function are either unavailable or do not agree on the potential impact of this missense change. The variant allele was found at a frequency of 0.0015 in 247790 control chromosomes, predominantly at a frequency of 0.0063 within the South Asian subpopulation in the gnomAD database, including 1 homozygotes. The observed variant frequency within South Asian control individuals in the gnomAD database exceeds the estimated maximal expected allele frequency for disease-causing variants in RTEL1. ClinVar contains an entry for this variant (Variation ID: 436575). Based on the evidence outlined above, the variant was classified as likely benign.

Blueprint Genetics
Classification: Likely benign. Last evaluated: 2024-11-15. Review status: criteria provided, single submitter. Criteria: ACMG Guidelines, 2015. Collection method: clinical testing. Allele origin: germline.

Sema4
Classification: Likely benign for Dyskeratosis congenita. Last evaluated: 2021-06-18. Review status: criteria provided, single submitter. Criteria: Sema4 Curation Guidelines. Collection method: curation. Allele origin: germline.

GeneDx
Classification: Likely benign. Last evaluated: 2020-03-02. Review status: criteria provided, single submitter. Criteria: GeneDx Variant Classification Process June 2021. Collection method: clinical testing. Allele origin: germline. Affected: yes.
Comment: This variant is associated with the following publications: (PMID: 30842500, 29344583)

Genetic Services Laboratory, University of Chicago
Classification: Likely benign. Last evaluated: 2017-04-26. Review status: criteria provided, single submitter. Criteria: ACMG Guidelines, 2015. Collection method: clinical testing. Allele origin: germline. Affected: no.

Breakthrough Genomics
Classification: Likely benign. Review status: criteria provided, single submitter. Criteria: ACMG Guidelines, 2015. Collection method: not provided. Allele origin: germline. Inheritance: Autosomal recessive inheritance. Affected: yes.

Natera, Inc.
Classification: Likely benign for Dyskeratosis congenita. Last evaluated: 2019-12-18. Review status: no assertion criteria provided. Collection method: clinical testing. Allele origin: germline. Not counted in ClinVar's aggregate classification.

PreventionGenetics, part of Exact Sciences
Classification: Likely benign for RTEL1-related condition. Last evaluated: 2019-07-26. Review status: no assertion criteria provided. Collection method: clinical testing. Allele origin: germline. Not counted in ClinVar's aggregate classification.
Comment: This variant is classified as likely benign based on ACMG/AMP sequence variant interpretation guidelines (Richards et al. 2015 PMID: 25741868, with internal and published modifications).

Clinical Genetics DNA and cytogenetics Diagnostics Lab, Erasmus MC, Erasmus Medical Center
Classification: Likely benign. Review status: no assertion criteria provided. Collection method: clinical testing. Allele origin: germline. Affected: yes. Study: VKGL Data-share Consensus. Not counted in ClinVar's aggregate classification.

Laboratory of Diagnostic Genome Analysis, Leiden University Medical Center (LUMC)
Classification: Likely benign. Review status: no assertion criteria provided. Collection method: clinical testing. Allele origin: germline. Affected: yes. Study: VKGL Data-share Consensus. Not counted in ClinVar's aggregate classification.

Literature cited by the submitters: PubMed 29344583 (cited by Women's Health and Genetics/Laboratory Corporation of America, LabCorp).